The following is an entry in ClinVar:

NM_001297.5(CNGB1):c.1208A>G (p.Gln403Arg)

Gene: CNGB1 (cyclic nucleotide gated channel subunit beta 1; minus strand). Cytogenetic location: 16q21.
Variant type: single nucleotide variant.
Coding change: c.1208A>G on transcript NM_001297.5 (MANE Select); coding-DNA position 1208, A replaced by G.
Protein change: p.Gln403Arg; replaces glutamine 403 with arginine.
Molecular consequence: missense variant.
Genome position (GRCh38, 1-based): chr16:57,940,235, T>C on the plus strand (A>G on the coding strand, the complement: CNGB1 is on the minus strand). VCF-style: chr16-57940235-T-C. GRCh37 (hg19) VCF-style: chr16-57974139-T-C.
Other names: c.1208A>G (NM_001297.4); c.1190A>G, p.Gln397Arg (NM_001286130.2); short protein forms Q397R, Q403R.
Identifiers: ClinVar variation 1411037 (VCV001411037.10), dbSNP rs1478593744, ClinGen allele CA396073413.

ClinVar aggregate classification (germline): Uncertain significance. Review status: criteria provided, multiple submitters, no conflicts (2 of 4 stars). 4 submissions from 4 submitters: Uncertain significance (3). 1 of the submissions does not count toward it. Last evaluated 2025-08-19.

Conditions:
Retinal dystrophy. Also called: Inherited retinal dystrophy. Identifiers: Orphanet 71862, MedGen C0854723, MeSH D058499, MONDO:0019118, HP:0000556.
Inborn genetic diseases. Identifiers: MedGen C0950123, MeSH D030342.

Allele frequency attached by ClinVar (database versions not stated): gnomAD exomes 0.00002 and 0.00003; TOPMed 0.00002; gnomAD 0.00003.
gnomAD v4.1: 50 of 1,564,672 alleles (0.0032%); highest among the groups gnomAD compares: Non-Finnish European, 0.0042%; no homozygotes.

Submissions (4):

Ambry Genetics
Classification: Uncertain significance for Inborn genetic diseases. Last evaluated: 2025-08-19. Review status: criteria provided, single submitter. Criteria: Ambry Variant Classification Scheme 2023. Collection method: clinical testing. Allele origin: germline.

Blueprint Genetics
Classification: Uncertain significance. Last evaluated: 2024-01-11. Review status: criteria provided, single submitter. Criteria: ACMG Guidelines, 2015. Collection method: clinical testing. Allele origin: germline.

Labcorp Genetics (formerly Invitae), Labcorp
Classification: Uncertain significance. Last evaluated: 2023-03-30. Review status: criteria provided, single submitter. Criteria: Invitae Variant Classification Sherloc (09022015). Collection method: clinical testing. Allele origin: germline.
Comment: In summary, the available evidence is currently insufficient to determine the role of this variant in disease. Therefore, it has been classified as a Variant of Uncertain Significance. Algorithms developed to predict the effect of sequence changes on RNA splicing suggest that this variant may create or strengthen a splice site. An algorithm developed to predict the effect of missense changes on protein structure and function (PolyPhen-2) suggests that this variant¬† is likely to be tolerated. ClinVar contains an entry for this variant (Variation ID: 1411037). This variant has not been reported in the literature in individuals affected with CNGB1-related conditions. The frequency data for this variant in the population databases is considered unreliable, as metrics indicate poor data quality at this position in the gnomAD database. This sequence change replaces glutamine, which is neutral and polar, with arginine, which is basic and polar, at codon 403 of the CNGB1 protein (p.Gln403Arg).

Institute of Human Genetics, Univ. Regensburg, Univ. Regensburg
Classification: Uncertain significance for Retinal dystrophy. Last evaluated: 2022-01-01. Review status: no assertion criteria provided. Criteria: ACMG Guidelines, 2015. Collection method: clinical testing. Allele origin: germline. Affected: yes. Not counted in ClinVar's aggregate classification.